The following is an entry in ClinVar:

ClinVar aggregate classification (germline): Uncertain significance. Review status: criteria provided, multiple submitters, no conflicts (2 of 4 stars). 2 submissions from 2 submitters: Uncertain significance (2). Last evaluated 2023-12-05.

Conditions:
Hereditary cancer-predisposing syndrome. Also called: Neoplastic Syndromes, Hereditary; Tumor predisposition; Hereditary Cancer Syndrome; Hereditary neoplastic syndrome. Identifiers: Orphanet 140162, MedGen C0027672, MeSH D009386, MONDO:0015356.

Submissions (2):

Color Diagnostics, LLC DBA Color Health
Classification: Uncertain significance for Hereditary cancer-predisposing syndrome. Last evaluated: 2023-12-05. Review status: criteria provided, single submitter. Criteria: ACMG Guidelines, 2015. Collection method: clinical testing. Allele origin: germline.
Comment: This missense variant replaces serine with cysteine at codon 270 of the CDH1 protein. To our knowledge, functional studies have not been reported for this variant. This variant has not been reported in individuals affected with CDH1-related disorders in the literature. This variant has not been identified in the general population by the Genome Aggregation Database (gnomAD). The available evidence is insufficient to determine the role of this variant in disease conclusively. Therefore, this variant is classified as a Variant of Uncertain Significance.

Sema4
Classification: Uncertain significance for Hereditary cancer-predisposing syndrome. Last evaluated: 2021-08-02. Review status: criteria provided, single submitter. Criteria: Sema4 Curation Guidelines. Collection method: curation. Allele origin: germline.
Comment: The CDH1 c.809C>G (p.S270C) variant has not been reported in the literature to our knowledge. It was not observed in the large and broad cohorts of the Genome Aggregation Database but has been reported in ClinVar (Variation ID 923301). Functional studies have not been performed, and in silico predictions of the variant's effect on protein function are inconclusive. The evidence is insufficient to meet ACMG/AMP criteria for classifying the variant as benign or pathogenic. Thus, the clinical significance of this variant is currently uncertain.

NM_004360.5(CDH1):c.809C>G (p.Ser270Cys)

Gene: CDH1 (cadherin 1; plus strand). Cytogenetic location: 16q22.1.
Variant type: single nucleotide variant.
Coding change: c.809C>G on transcript NM_004360.5 (MANE Select); coding-DNA position 809, C replaced by G.
Protein change: p.Ser270Cys; replaces serine 270 with cysteine.
Molecular consequence: missense variant. On other transcripts: 5 prime UTR variant (2).
Genome position (GRCh38, 1-based): chr16:68,810,318, C>G. VCF-style: chr16-68810318-C-G. GRCh37 (hg19) VCF-style: chr16-68844221-C-G.
Other names: c.809C>G, p.Ser270Cys (NM_001317184.2); c.-807C>G (NM_001317185.2); c.-1011C>G (NM_001317186.2); short protein forms S270C.
Identifiers: ClinVar variation 923301 (VCV000923301.5), dbSNP rs1960785793, ClinGen allele CA396458892.